The following is an entry in ClinVar:

ClinVar aggregate classification (germline): Uncertain significance (1 of 4 stars; one submission).

Allele frequency attached by ClinVar (database versions not stated): TOPMed below 0.00001.

Submission:

Labcorp Genetics (formerly Invitae), Labcorp
Classification: Uncertain significance. Last evaluated: 2024-07-08. Review status: criteria provided, single submitter. Criteria: Invitae Variant Classification Sherloc (09022015). Collection method: clinical testing. Allele origin: germline.
Comment: This sequence change falls in intron 9 of the CD46 gene. It does not directly change the encoded amino acid sequence of the CD46 protein. This variant is not present in population databases (gnomAD no frequency). This variant has not been reported in the literature in individuals affected with CD46-related conditions. ClinVar contains an entry for this variant (Variation ID: 2101912). Algorithms developed to predict the effect of sequence changes on RNA splicing suggest that this variant may disrupt the consensus splice site. In summary, the available evidence is currently insufficient to determine the role of this variant in disease. Therefore, it has been classified as a Variant of Uncertain Significance.

NM_172351.3(CD46):c.944-20T>G

Gene: CD46 (CD46 molecule; plus strand). Cytogenetic location: 1q32.2.
Variant type: single nucleotide variant.
Coding change: c.944-20T>G on transcript NM_172351.3 (MANE Select); 20 bases into the intron before coding-DNA position 944, T replaced by G.
Molecular consequence: intron variant.
Genome position (GRCh38, 1-based): chr1:207,783,272, T>G. VCF-style: chr1-207783272-T-G. GRCh37 (hg19) VCF-style: chr1-207956617-T-G.
Other names: c.989-20T>G (NM_002389.4, NM_172359.3); c.944-20T>G (NM_153826.4, NM_172358.3); c.902-20T>G (NM_172355.3, NM_172356.3); c.899-20T>G (NM_172352.3, NM_172353.3, NM_172350.3); c.857-20T>G (NM_172357.3, NM_172361.3).
Identifiers: ClinVar variation 2101912 (VCV002101912.4), dbSNP rs1358372822, ClinGen allele CA730684363.